The following is an entry in ClinVar:

NM_000521.4(HEXB):c.738T>A (p.Tyr246Ter)

Gene: HEXB (hexosaminidase subunit beta; plus strand). Cytogenetic location: 5q13.3.
Variant type: single nucleotide variant.
Coding change: c.738T>A on transcript NM_000521.4 (MANE Select); coding-DNA position 738, T replaced by A.
Protein change: p.Tyr246Ter; replaces tyrosine 246 with a stop codon.
Molecular consequence: nonsense.
Genome position (GRCh38, 1-based): chr5:74,705,287, T>A. VCF-style: chr5-74705287-T-A. GRCh37 (hg19) VCF-style: chr5-74001112-T-A.
Other names: c.63T>A, p.Tyr21Ter (NM_001292004.2); short protein forms Y21*, Y246*.
Identifiers: ClinVar variation 1726356 (VCV001726356.7), dbSNP rs777853621, ClinGen allele CA360065730.

ClinVar aggregate classification (germline): Pathogenic/Likely pathogenic. Review status: criteria provided, multiple submitters, no conflicts (2 of 4 stars). 2 submissions from 2 submitters: Pathogenic (1); Likely pathogenic (1). Last evaluated 2022-02-25.

Conditions:
Sandhoff disease. Also called: GM2-GANGLIOSIDOSIS, TYPE II; HEXOSAMINIDASES A AND B DEFICIENCY; Beta-hexosaminidase-beta-subunit deficiency; GM2 gangliosidosis, type 2; Total hexosaminidase deficiency; Sandhoff-Jatzkewitz-Pilz disease. Identifiers: Orphanet 796, MedGen C0036161, MONDO:0010006, OMIM 268800.

Submissions (2):

Labcorp Genetics (formerly Invitae), Labcorp
Classification: Pathogenic for Sandhoff disease. Last evaluated: 2022-02-25. Review status: criteria provided, single submitter. Criteria: Invitae Variant Classification Sherloc (09022015). Collection method: clinical testing. Allele origin: germline.
Comment: This variant has not been reported in the literature in individuals affected with HEXB-related conditions. For these reasons, this variant has been classified as Pathogenic. This sequence change creates a premature translational stop signal (p.Tyr246*) in the HEXB gene. It is expected to result in an absent or disrupted protein product. Loss-of-function variants in HEXB are known to be pathogenic (PMID: 7550345, 18758829). This variant is not present in population databases (gnomAD no frequency).

Myriad Genetics, Inc.
Classification: Likely pathogenic for Sandhoff disease. Last evaluated: 2021-12-16. Review status: criteria provided, single submitter. Criteria: Myriad Women's Health Autosomal Recessive and X-Linked Classification Criteria (2021). Collection method: clinical testing. Allele origin: unknown.
Comment: NM_000521.3(HEXB):c.738T>A(Y246*) is expected to be pathogenic in the context of Sandhoff disease. This variant is predicted to lead to an abnormal or absent protein product due to the creation of a premature termination codon in HEXB, a gene where loss-of-function variants are known to be pathogenic. Please note: this variant was assessed in the context of healthy population screening.

Literature cited by the submitters: PubMed 7550345 (cited by Labcorp Genetics (formerly Invitae), Labcorp); PubMed 18758829 (cited by Labcorp Genetics (formerly Invitae), Labcorp).